The following is an entry in ClinVar:

ClinVar aggregate classification (germline): Uncertain significance. Review status: criteria provided, multiple submitters, no conflicts (2 of 4 stars). 2 submissions from 2 submitters: Uncertain significance (2). Last evaluated 2025-01-28.

Conditions:
Hereditary cancer-predisposing syndrome. Also called: Tumor predisposition; Neoplastic Syndromes, Hereditary; Hereditary Cancer Syndrome; Hereditary neoplastic syndrome. Identifiers: Orphanet 140162, MedGen C0027672, MeSH D009386, MONDO:0015356.
Bloom syndrome (BLM). Also called: Bloom-Torre-Machacek syndrome. Identifiers: Orphanet 125, MedGen C0005859, MONDO:0008876, OMIM 210900.

Submissions (2):

Labcorp Genetics (formerly Invitae), Labcorp
Classification: Uncertain significance for Bloom syndrome. Last evaluated: 2025-01-28. Review status: criteria provided, single submitter. Criteria: Invitae Variant Classification Sherloc (09022015). Collection method: clinical testing. Allele origin: germline.
Comment: This sequence change replaces cysteine, which is neutral and slightly polar, with glycine, which is neutral and non-polar, at codon 944 of the BLM protein (p.Cys944Gly). This variant is not present in population databases (gnomAD no frequency). This variant has not been reported in the literature in individuals affected with BLM-related conditions. ClinVar contains an entry for this variant (Variation ID: 3480915). Invitae Evidence Modeling of protein sequence and biophysical properties (such as structural, functional, and spatial information, amino acid conservation, physicochemical variation, residue mobility, and thermodynamic stability) indicates that this missense variant is expected to disrupt BLM protein function with a positive predictive value of 80%. In summary, the available evidence is currently insufficient to determine the role of this variant in disease. Therefore, it has been classified as a Variant of Uncertain Significance.

Ambry Genetics
Classification: Uncertain significance for Hereditary cancer-predisposing syndrome. Last evaluated: 2024-12-10. Review status: criteria provided, single submitter. Criteria: Ambry Variant Classification Scheme 2023. Collection method: clinical testing. Allele origin: germline.
Comment: The p.C944G variant (also known as c.2830T>G), located in coding exon 14 of the BLM gene, results from a T to G substitution at nucleotide position 2830. The cysteine at codon 944 is replaced by glycine, an amino acid with highly dissimilar properties. This amino acid position is conserved. In addition, this alteration is predicted to be deleterious by in silico analysis. Based on the available evidence, the clinical significance of this variant remains unclear.

NM_000057.4(BLM):c.2830T>G (p.Cys944Gly)

Gene: BLM (BLM RecQ like helicase; plus strand). Cytogenetic location: 15q26.1.
Variant type: single nucleotide variant.
Coding change: c.2830T>G on transcript NM_000057.4 (MANE Select); coding-DNA position 2830, T replaced by G.
Protein change: p.Cys944Gly; replaces cysteine 944 with glycine.
Molecular consequence: missense variant.
Genome position (GRCh38, 1-based): chr15:90,790,655, T>G. VCF-style: chr15-90790655-T-G. GRCh37 (hg19) VCF-style: chr15-91333885-T-G.
Other names: c.2830T>G, p.Cys944Gly (NM_001287246.2, NM_001287247.2); c.1705T>G, p.Cys569Gly (NM_001287248.2); short protein forms C569G, C944G.
Identifiers: ClinVar variation 3480915 (VCV003480915.3).